The following is an entry in ClinVar:

NM_006180.6(NTRK2):c.1793G>A (p.Arg598His)

Gene: NTRK2 (neurotrophic receptor tyrosine kinase 2; plus strand). Cytogenetic location: 9q21.33.
Variant type: single nucleotide variant.
Coding change: c.1793G>A on transcript NM_006180.6 (MANE Select); coding-DNA position 1793, G replaced by A.
Protein change: p.Arg598His; replaces arginine 598 with histidine.
Molecular consequence: missense variant.
Genome position (GRCh38, 1-based): chr9:84,948,490, G>A. VCF-style: chr9-84948490-G-A. GRCh37 (hg19) VCF-style: chr9-87563405-G-A.
Other names: c.1745G>A, p.Arg582His (NM_001018064.3, NM_001369532.1, NM_001369533.1); c.1709G>A, p.Arg570His (NM_001369534.1); c.1277G>A, p.Arg426His (NM_001369535.1); c.1325G>A, p.Arg442His (NM_001369536.1); c.1793G>A (NM_006180.4, NM_006180.3); short protein forms R582H, R570H, R442H, R426H, R598H.
Identifiers: ClinVar variation 1414161 (VCV001414161.10), dbSNP rs147652140, ClinGen allele CA5105850.

ClinVar aggregate classification (germline): Uncertain significance. Review status: criteria provided, multiple submitters, no conflicts (2 of 4 stars). 3 submissions from 3 submitters: Uncertain significance (2). 1 of the submissions does not count toward it. Last evaluated 2026-01-21.

Conditions:
NTRK2-related disorder. Also called: NTRK2-related condition.
Inborn genetic diseases. Identifiers: MedGen C0950123, MeSH D030342.

Allele frequency attached by ClinVar (database versions not stated): gnomAD 0.00002 and 0.00003; TOPMed 0.00002; ESP Exome Variant Server 0.00008.
gnomAD v4.1: 8 of 1,613,992 alleles (0.0005%); highest among the groups gnomAD compares: African/African-American, 0.004%; no homozygotes.

Submissions (3):

Labcorp Genetics (formerly Invitae), Labcorp
Classification: Uncertain significance. Last evaluated: 2026-01-21. Review status: criteria provided, single submitter. Criteria: Invitae Variant Classification Sherloc (09022015). Collection method: clinical testing. Allele origin: germline.
Comment: This sequence change replaces arginine, which is basic and polar, with histidine, which is basic and polar, at codon 598 of the NTRK2 protein (p.Arg598His). This variant is present in population databases (rs147652140, gnomAD 0.008%). This variant has not been reported in the literature in individuals affected with NTRK2-related conditions. ClinVar contains an entry for this variant (Variation ID: 1414161). Invitae Evidence Modeling of protein sequence and biophysical properties (such as structural, functional, and spatial information, amino acid conservation, physicochemical variation, residue mobility, and thermodynamic stability) has been performed for this missense variant. However, the output from this modeling did not meet the statistical confidence thresholds required to predict the impact of this variant on NTRK2 protein function. In summary, the available evidence is currently insufficient to determine the role of this variant in disease. Therefore, it has been classified as a Variant of Uncertain Significance.

Ambry Genetics
Classification: Uncertain significance for Inborn genetic diseases. Last evaluated: 2024-12-07. Review status: criteria provided, single submitter. Criteria: Ambry Variant Classification Scheme 2023. Collection method: clinical testing. Allele origin: germline.

PreventionGenetics, part of Exact Sciences
Classification: Uncertain significance for NTRK2-related condition. Last evaluated: 2024-06-28. Review status: no assertion criteria provided. Collection method: clinical testing. Allele origin: germline. Not counted in ClinVar's aggregate classification.
Comment: The NTRK2 c.1793G>A variant is predicted to result in the amino acid substitution p.Arg598His. To our knowledge, this variant has not been reported in the literature. This variant is reported in 0.0080% of alleles in individuals of African descent in gnomAD. At this time, the clinical significance of this variant is uncertain due to the absence of conclusive functional and genetic evidence.